The following is an entry in ClinVar:

NM_001365242.1(CPEB1):c.1176G>A (p.Lys392=)

Gene: CPEB1 (cytoplasmic polyadenylation element binding protein 1; minus strand). Cytogenetic location: 15q25.2.
Variant type: single nucleotide variant.
Coding change: c.1176G>A on transcript NM_001365242.1 (MANE Select); coding-DNA position 1176, G replaced by A.
Protein change: p.Lys392=; no amino-acid change (lysine 392 retained).
Molecular consequence: synonymous variant.
Genome position (GRCh38, 1-based): chr15:82,552,585, C>T on the plus strand (G>A on the coding strand, the complement: CPEB1 is on the minus strand). VCF-style: chr15-82552585-C-T. GRCh37 (hg19) VCF-style: chr15-83221335-C-T.
Other names: c.885G>A, p.Lys295= (NM_001387068.1, NM_001079533.2, NM_001365250.1); c.870G>A, p.Lys290= (NM_001387069.1, NM_001387070.1, NM_001387071.1 and 13 more transcripts); c.834G>A, p.Lys278= (NM_001387076.1); c.417G>A, p.Lys139= (NM_001387077.1, NM_001387078.1, NM_001288820.2); c.1095G>A, p.Lys365= (NM_030594.5); c.1176G>A, p.Lys392= (NM_001365240.1, NM_001365241.1, NM_001387062.1 and 5 more transcripts); c.1110G>A, p.Lys370= (NM_001365243.1); c.1191G>A, p.Lys397= (NM_001387061.1).
Identifiers: ClinVar variation 4533908 (VCV004533908.6).

ClinVar aggregate classification (germline): Likely benign (1 of 4 stars; one submission).

gnomAD v4.1: 653 of 1,614,122 alleles (0.04%); highest among the groups gnomAD compares: African/African-American, 0.82%; 4 homozygotes.

Submission:

CeGaT Center for Human Genetics Tuebingen
Classification: Likely benign. Last evaluated: 2025-10-01. Review status: criteria provided, single submitter. Criteria: CeGaT Center For Human Genetics Tuebingen Variant Classification Criteria Version 2. Collection method: clinical testing. Allele origin: germline. Affected: yes. Observed: 1 variant allele.
Comment: CPEB1: BP4, BS2